The following is an entry in ClinVar:

NM_000380.4(XPA):c.-4A>G

Gene: XPA (XPA, DNA damage recognition and repair factor; minus strand). Cytogenetic location: 9q22.33.
Variant type: single nucleotide variant.
Coding change: c.-4A>G on transcript NM_000380.4 (MANE Select); 4 bases upstream of the start codon, A replaced by G.
Molecular consequence: 5 prime UTR variant. On other transcripts: non-coding transcript variant (5).
Genome position (GRCh38, 1-based): chr9:97,697,296, T>C on the plus strand (A>G on the coding strand, the complement: XPA is on the minus strand). VCF-style: chr9-97697296-T-C. GRCh37 (hg19) VCF-style: chr9-100459578-T-C.
Other names: c.-1153A>G (NM_001354975.2).
Identifiers: ClinVar variation 190206 (VCV000190206.20), dbSNP rs1800975, ClinGen allele CA199614.

ClinVar aggregate classification (germline): Benign/Likely benign. Review status: criteria provided, multiple submitters, no conflicts (2 of 4 stars). 10 submissions from 10 submitters: Benign (9); Likely benign (1). Last evaluated 2025-06-04.

Conditions:
Xeroderma pigmentosum group A (XPA). Also called: Xeroderma pigmentosum, complementation group A; XP, group A; XPA-Related Xeroderma Pigmentosum. Identifiers: Orphanet 910, MedGen C0268135, MONDO:0010210, OMIM 278700.

Allele frequency attached by ClinVar (database versions not stated): 1000 Genomes Project 0.64637; 1000 Genomes Project 30x 0.64913; gnomAD exomes 0.65889; gnomAD 0.69314 and 0.70140; TOPMed 0.70121; ESP Exome Variant Server 0.74696.
gnomAD v4.1: 1,057,365 of 1,597,438 alleles (66%); highest among the groups gnomAD compares: African/African-American, 81%; 352,759 homozygotes.

Submissions (10):

Labcorp Genetics (formerly Invitae), Labcorp
Classification: Benign. Last evaluated: 2025-06-04. Review status: criteria provided, single submitter. Criteria: Invitae Variant Classification Sherloc (09022015). Collection method: clinical testing. Allele origin: germline.

Blueprint Genetics
Classification: Likely benign. Last evaluated: 2024-11-27. Review status: criteria provided, single submitter. Criteria: ACMG Guidelines, 2015. Collection method: clinical testing. Allele origin: germline.

KCCC/NGS Laboratory, Kuwait Cancer Control Center
Classification: Benign for Xeroderma pigmentosum group A. Last evaluated: 2023-07-07. Review status: criteria provided, single submitter. Criteria: ACMG Guidelines, 2015. Collection method: clinical testing. Allele origin: germline. Affected: yes.

GeneDx
Classification: Benign. Last evaluated: 2019-01-10. Review status: criteria provided, single submitter. Criteria: GeneDx Variant Classification Process June 2021. Collection method: clinical testing. Allele origin: germline. Affected: yes.
Comment: This variant is associated with the following publications: (PMID: 20865363, 19270000, 20056640, 15598786)

Women's Health and Genetics/Laboratory Corporation of America, LabCorp
Classification: Benign. Last evaluated: 2018-03-29. Review status: criteria provided, single submitter. Criteria: LabCorp Variant Classification Summary - May 2015. Collection method: clinical testing. Allele origin: germline.
Comment: Variant summary: XPA c.-4A>G is located in the untranslated mRNA region upstream of the initiation codon. The variant allele was found at a frequency of 0.64 in 251064 control chromosomes, suggesting that it is the major allele and therefore benign. The observed variant frequency is approximately 400 fold above the estimated maximal expected allele frequency for a pathogenic variant in XPA causing Xeroderma Pigmentosum phenotype (0.0016), strongly suggesting that the variant is benign. One clinical diagnostic laboratory has submitted clinical-significance assessments for this variant to ClinVar after 2014 without evidence for independent evaluation and classified the variant as benign. Based on the evidence outlined above, the variant was classified as benign.

Illumina Laboratory Services, Illumina
Classification: Benign for Xeroderma pigmentosum group A. Last evaluated: 2018-03-06. Review status: criteria provided, single submitter. Criteria: ICSL Variant Classification Criteria 13 December 2019. Collection method: clinical testing. Allele origin: germline.
Comment: This variant was observed in the ICSL laboratory as part of a predisposition screen in an ostensibly healthy population. It had not been previously curated by ICSL or reported in the Human Gene Mutation Database (HGMD: prior to June 1st, 2018), and was therefore a candidate for classification through an automated scoring system. Utilizing variant allele frequency, disease prevalence and penetrance estimates, and inheritance mode, an automated score was calculated to assess if this variant is too frequent to cause the disease. Based on the score and internal cut-off values, a variant classified as benign is not then subjected to further curation. The score for this variant resulted in a classification of benign for this disease.

Mayo Clinic Laboratories, Mayo Clinic
Classification: Benign. Last evaluated: 2017-11-16. Review status: criteria provided, single submitter. Criteria: ACMG Guidelines, 2015. Collection method: clinical testing. Allele origin: germline. Observed: 444 variant alleles.

Claritas Genomics
Classification: Benign. Last evaluated: 2012-04-20. Review status: criteria provided, single submitter. Criteria: ACMG Guidelines, 2007. Collection method: clinical testing. Allele origin: germline. Inheritance: Autosomal recessive inheritance.

Breakthrough Genomics
Classification: Benign. Review status: criteria provided, single submitter. Criteria: ACMG Guidelines, 2015. Collection method: not provided. Allele origin: germline. Inheritance: Autosomal recessive inheritance. Affected: yes.

PreventionGenetics, part of Exact Sciences
Classification: Benign. Review status: criteria provided, single submitter. Criteria: ACMG Guidelines, 2015. Collection method: clinical testing. Allele origin: germline.